The following is an entry in ClinVar:

NM_001385125.1(OPN1SW):c.418T>C (p.Phe140Leu)

Gene: OPN1SW (opsin 1, short wave sensitive; minus strand). Cytogenetic location: 7q32.1.
Variant type: single nucleotide variant.
Coding change: c.418T>C on transcript NM_001385125.1 (MANE Select); coding-DNA position 418, T replaced by C.
Protein change: p.Phe140Leu; replaces phenylalanine 140 with leucine.
Molecular consequence: missense variant.
Genome position (GRCh38, 1-based): chr7:128,775,080, A>G on the plus strand (T>C on the coding strand, the complement: OPN1SW is on the minus strand). VCF-style: chr7-128775080-A-G. GRCh37 (hg19) VCF-style: chr7-128415134-A-G.
Other names: short protein forms F140L.
Identifiers: ClinVar variation 1059400 (VCV001059400.10), dbSNP rs368447870, ClinGen allele CA4472946.

ClinVar aggregate classification (germline): Uncertain significance (1 of 4 stars; one submission).

Allele frequency attached by ClinVar (database versions not stated): gnomAD exomes below 0.00001; ExAC 0.00001; gnomAD 0.00003; ESP Exome Variant Server 0.00008; TOPMed 0.00008.
gnomAD v4.1: 6 of 1,614,088 alleles (0.00037%); highest among the groups gnomAD compares: African/African-American, 0.008%; no homozygotes.

Submission:

Labcorp Genetics (formerly Invitae), Labcorp
Classification: Uncertain significance. Last evaluated: 2023-09-09. Review status: criteria provided, single submitter. Criteria: Invitae Variant Classification Sherloc (09022015). Collection method: clinical testing. Allele origin: germline.
Comment: In summary, the available evidence is currently insufficient to determine the role of this variant in disease. Therefore, it has been classified as a Variant of Uncertain Significance. An algorithm developed to predict the effect of missense changes on protein structure and function (PolyPhen-2) suggests that this variant is likely to be tolerated. ClinVar contains an entry for this variant (Variation ID: 1059400). This variant has not been reported in the literature in individuals affected with OPN1SW-related conditions. This variant is present in population databases (rs368447870, gnomAD 0.007%). This sequence change replaces phenylalanine, which is neutral and non-polar, with leucine, which is neutral and non-polar, at codon 143 of the OPN1SW protein (p.Phe143Leu).